The following is an entry in ClinVar:

NM_000455.5(STK11):c.910del (p.Arg304fs)

Gene: STK11 (serine/threonine kinase 11; plus strand). Cytogenetic location: 19p13.3.
Variant type: Deletion.
Coding change: c.910del on transcript NM_000455.5 (MANE Select); coding-DNA position 910, one base deleted (C; older notation c.910delC).
Protein change: p.Arg304fs; shifts the reading frame from arginine 304.
Molecular consequence: frameshift variant.
Genome position (GRCh38, 1-based): chr19:1,221,996, C deleted; the last of 2 consecutive C bases (chr19:1,221,995-1,221,996); deleting either gives the same sequence. VCF-style (leftmost placement, unchanged base first): chr19-1221994-TC-T. GRCh37 (hg19) VCF-style: chr19-1221993-TC-T.
Other names: c.910delC (NM_000455.4); short protein forms R304fs.
Identifiers: ClinVar variation 418779 (VCV000418779.10), dbSNP rs1064793427, ClinGen allele CA16620754.
Genomic context (GRCh38, chr19:1,221,994, plus strand): 5'-CCGGCTTCTCCTCAGGGATGCTTGAGTACGAACCGGCCAAGAGGTTCTCCATCCGGCAGA[TC>T]CGGCAGCACAGGTGAGCGGCCCCTGGGGGCAGTGGGGCCGAGGCTGCAGGGAGGCCGGCC-3'

ClinVar aggregate classification (germline): Pathogenic. Review status: criteria provided, multiple submitters, no conflicts (2 of 4 stars). 3 submissions from 3 submitters: Pathogenic (3). Last evaluated 2021-10-16.

Conditions:
Hereditary cancer-predisposing syndrome. Also called: Tumor predisposition; Neoplastic Syndromes, Hereditary; Hereditary Cancer Syndrome; Hereditary neoplastic syndrome. Identifiers: Orphanet 140162, MedGen C0027672, MeSH D009386, MONDO:0015356.
Peutz-Jeghers syndrome (PJS). Also called: Peutz-Jeghers polyposis; Periorificial lentiginosis syndrome; POLYPOSIS, HAMARTOMATOUS INTESTINAL; POLYPS-AND-SPOTS SYNDROME. Identifiers: Orphanet 2869, MedGen C0031269, MeSH D010580, MONDO:0008280, OMIM 175200.

Submissions (3):

Labcorp Genetics (formerly Invitae), Labcorp
Classification: Pathogenic for Peutz-Jeghers syndrome. Last evaluated: 2021-10-16. Review status: criteria provided, single submitter. Criteria: Invitae Variant Classification Sherloc (09022015). Collection method: clinical testing. Allele origin: germline.
Comment: ClinVar contains an entry for this variant (Variation ID: 418779). This variant is also known as 909delC. This premature translational stop signal has been observed in individual(s) with Peutz-Jeghers syndrome (PMID: 15188174, 24037887). This variant is not present in population databases (ExAC no frequency). This sequence change creates a premature translational stop signal (p.Arg304Glyfs*32) in the STK11 gene. It is expected to result in an absent or disrupted protein product. Loss-of-function variants in STK11 are known to be pathogenic (PMID: 15188174, 16287113). For these reasons, this variant has been classified as Pathogenic.

Ambry Genetics
Classification: Pathogenic for Hereditary cancer-predisposing syndrome. Last evaluated: 2017-11-07. Review status: criteria provided, single submitter. Criteria: Ambry Variant Classification Scheme 2023. Collection method: clinical testing. Allele origin: germline.
Comment: The c.910delC pathogenic mutation, located in coding exon 7 of the STK11 gene, results from a deletion of one nucleotide at nucleotide position 910, causing a translational frameshift with a predicted alternate stop codon (p.R304Gfs*32). This alteration has been reported in multiple individuals with personal and/or family history consistent with Peutz-Jeghers syndrome (Westerman AM et al. Hum. Mutat., 1999;13:476-81; Lim W et al. Gastroenterology, 2004 Jun;126:1788-94; Borun P et al. BMC Med. Genet., 2013 May;14:58; Ham S et al. J. Clin. Endocrinol. Metab., 2013 Dec;98:E1979-87). Further, protein expression studies have shown this alteration causes protein truncation and results in complete loss of function of the C-terminal domain (Ham S et al. J. Clin. Endocrinol. Metab., 2013 Dec;98:E1979-87). Of note, this alteration is also designated as 909delC and 4035/4036delC in published literature. This alteration is expected to result in loss of function by premature protein truncation or nonsense-mediated mRNA decay. As such, this alteration is interpreted as a disease-causing mutation.

GeneDx
Classification: Pathogenic. Last evaluated: 2015-03-24. Review status: criteria provided, single submitter. Criteria: GeneDx Variant Classification (06012015). Collection method: clinical testing. Allele origin: germline. Affected: yes.
Comment: The c.910delC variant in the STK11 gene has been reported previously (as 909delC) in association withPeutz-Jeghers syndrome (Lim et al., 2004; Ham et al., 2013). In vitro studies demonstrated that the c.910delC variant produces a truncated protein and significantly impairs protein stability (Ham et al., 2013). The deletion is predicted to cause loss of normal protein function either through protein truncation or nonsense-mediated mRNA decay. We therefore interpret this variant as pathogenic.

Literature cited by the submitters: PubMed 15188174 (cited by Labcorp Genetics (formerly Invitae), Labcorp and Ambry Genetics); PubMed 24037887 (cited by Labcorp Genetics (formerly Invitae), Labcorp and Ambry Genetics); PubMed 16287113 (cited by Labcorp Genetics (formerly Invitae), Labcorp); PubMed 10408777 (cited by Ambry Genetics); PubMed 23718779 (cited by Ambry Genetics).